The following is an entry in ClinVar:

ClinVar aggregate classification (germline): Benign (1 of 4 stars; one submission).

Conditions:
Pseudohypoaldosteronism type 2D (PHA2D). Also called: FAMILIAL HYPERKALEMIC HYPERTENSION; PSEUDOHYPOALDOSTERONISM, TYPE IID, AUTOSOMAL DOMINANT OR RECESSIVE; Pseudohypoaldosteronism Type IID. Identifiers: Orphanet 300525, Orphanet 757, MedGen C3469605, MONDO:0013781, OMIM 614495.

Allele frequency attached by ClinVar (database versions not stated): 1000 Genomes Project 0.00200; 1000 Genomes Project 30x 0.00219; TOPMed 0.00524; gnomAD 0.00526 and 0.00578.

Submission:

Illumina Laboratory Services, Illumina
Classification: Benign for Pseudohypoaldosteronism type 2D. Last evaluated: 2018-01-12. Review status: criteria provided, single submitter. Criteria: ICSL Variant Classification Criteria 13 December 2019. Collection method: clinical testing. Allele origin: germline.
Comment: This variant was observed in the ICSL laboratory as part of a predisposition screen in an ostensibly healthy population. It had not been previously curated by ICSL or reported in the Human Gene Mutation Database (HGMD: prior to June 1st, 2018), and was therefore a candidate for classification through an automated scoring system. Utilizing variant allele frequency, disease prevalence and penetrance estimates, and inheritance mode, an automated score was calculated to assess if this variant is too frequent to cause the disease. Based on the score and internal cut-off values, a variant classified as benign is not then subjected to further curation. The score for this variant resulted in a classification of benign for this disease.

NM_017415.3(KLHL3):c.*1896T>G

Gene: KLHL3 (kelch like family member 3; minus strand). Cytogenetic location: 5q31.2.
Variant type: single nucleotide variant.
Coding change: c.*1896T>G on transcript NM_017415.3 (MANE Select); 1896 bases downstream of the stop codon, T replaced by G.
Molecular consequence: 3 prime UTR variant.
Genome position (GRCh38, 1-based): chr5:137,620,202, A>C on the plus strand (T>G on the coding strand, the complement: KLHL3 is on the minus strand). VCF-style: chr5-137620202-A-C. GRCh37 (hg19) VCF-style: chr5-136955891-A-C.
Other names: c.*1896T>G (NM_001257194.1, NM_001257195.2).
Identifiers: ClinVar variation 350959 (VCV000350959.6), dbSNP rs75344015, ClinGen allele CA10620229.